The following is an entry in ClinVar:

ClinVar aggregate classification (germline): Conflicting classifications of pathogenicity. Review status: criteria provided, conflicting classifications (1 of 4 stars). 5 submissions from 5 submitters: Uncertain significance (3); Likely benign (1). 1 of the submissions does not count toward it. Last evaluated 2025-11-25.

Conditions:
FANCA-related disorder. Also called: FANCA-related condition.
Fanconi anemia (FA). Also called: Fanconi's anemia. Identifiers: Orphanet 84, MedGen C0015625, MeSH D005199, MONDO:0019391.
Fanconi anemia complementation group A (FANCA). Also called: Fanconi anemia, group A; FANCA-Related Fanconi Anemia. Identifiers: Orphanet 84, MedGen C3469521, MONDO:0009215, OMIM 227650.

Allele frequency attached by ClinVar (database versions not stated): gnomAD 0.00003; gnomAD exomes 0.00004 and 0.00015; TOPMed 0.00011; ExAC 0.00016.
gnomAD v4.1: 59 of 1,613,978 alleles (0.0037%); highest among the groups gnomAD compares: East Asian, 0.1%; no homozygotes.

Submissions (5):

Labcorp Genetics (formerly Invitae), Labcorp
Classification: Likely benign for Fanconi anemia. Last evaluated: 2025-11-25. Review status: criteria provided, single submitter. Criteria: Invitae Variant Classification Sherloc (09022015). Collection method: clinical testing. Allele origin: germline.

Blueprint Genetics
Classification: Uncertain significance. Last evaluated: 2024-07-24. Review status: criteria provided, single submitter. Criteria: ACMG Guidelines, 2015. Collection method: clinical testing. Allele origin: germline.

PreventionGenetics, part of Exact Sciences
Classification: Uncertain significance for FANCA-related condition. Last evaluated: 2023-06-19. Review status: criteria provided, single submitter. Criteria: ACMG Guidelines, 2015. Collection method: clinical testing. Allele origin: germline.
Comment: The FANCA c.1772G>A variant is predicted to result in the amino acid substitution p.Arg591Gln. This variant was reported in an individual with premature ovarian insufficiency (Yang et al. 2019. PubMed ID: 31535215). This variant is reported in 0.19% of alleles in individuals of East Asian descent in gnomAD and has conflicting interpretations of likely benign and uncertain in ClinVar. Although we suspect that this variant may be benign, at this time, the clinical significance of this variant is uncertain due to the absence of conclusive functional and genetic evidence.

Fulgent Genetics
Classification: Uncertain significance for Fanconi anemia complementation group A. Last evaluated: 2021-10-08. Review status: criteria provided, single submitter. Criteria: ACMG Guidelines, 2015. Collection method: clinical testing. Allele origin: unknown.

Natera, Inc.
Classification: Uncertain significance for Fanconi anemia, group A. Last evaluated: 2020-09-16. Review status: no assertion criteria provided. Collection method: clinical testing. Allele origin: germline. Not counted in ClinVar's aggregate classification.

NM_000135.4(FANCA):c.1772G>A (p.Arg591Gln)

Gene: FANCA (FA complementation group A; minus strand). Cytogenetic location: 16q24.3.
Variant type: single nucleotide variant.
Coding change: c.1772G>A on transcript NM_000135.4 (MANE Select); coding-DNA position 1772, G replaced by A.
Protein change: p.Arg591Gln; replaces arginine 591 with glutamine.
Molecular consequence: missense variant.
Genome position (GRCh38, 1-based): chr16:89,778,947, C>T on the plus strand (G>A on the coding strand, the complement: FANCA is on the minus strand). VCF-style: chr16-89778947-C-T. GRCh37 (hg19) VCF-style: chr16-89845355-C-T.
Other names: c.1772G>A, p.Arg591Gln (NM_001286167.3); c.1772G>A (LRG_495t1); short protein forms R591Q.
Identifiers: ClinVar variation 408177 (VCV000408177.12), dbSNP rs778093769, ClinGen allele CA8252114.
Genomic context (GRCh38, chr16:89,778,947, plus strand): 5'-GGAAAGTCCTTGCTTTCTACACAACTGGTCACAAACTCATGGAGACGCATACTGACCACT[C>T]GAGGTGTGAGCAGGGCGGGGAGGAAGTGGGACACGTAGTAAGGCCTCCTGAATATGCTGC-3'
Protein context (NP_000126.2, residues 581-601): SHFLPALLTP[Arg591Gln]VLPKVPDSRV